The following is an entry in ClinVar:

NM_025179.4(PLXNA2):c.3678G>A (p.Val1226=)

Gene: PLXNA2 (plexin A2; minus strand). Cytogenetic location: 1q32.2.
Variant type: single nucleotide variant.
Coding change: c.3678G>A on transcript NM_025179.4 (MANE Select); coding-DNA position 3678, G replaced by A.
Protein change: p.Val1226=; no amino-acid change (valine 1226 retained).
Molecular consequence: synonymous variant.
Genome position (GRCh38, 1-based): chr1:208,044,704, C>T on the plus strand (G>A on the coding strand, the complement: PLXNA2 is on the minus strand). VCF-style: chr1-208044704-C-T. GRCh37 (hg19) VCF-style: chr1-208218049-C-T.
Identifiers: ClinVar variation 4996589 (VCV004996589.1).

ClinVar aggregate classification (germline): Uncertain significance (1 of 4 stars; one submission).

Conditions:
PLXNA2-related disorder. Also called: PLXNA2-related condition.

Submission:

PreventionGenetics, part of Exact Sciences
Classification: Uncertain significance for PLXNA2-related condition. Last evaluated: 2026-06-24. Review status: criteria provided, single submitter. Criteria: ACMG Guidelines, 2015. Collection method: clinical testing. Allele origin: germline.
Comment: The PLXNA2 c.3678G>A variant is not predicted to result in an amino acid change (p.=). This variant is predicted to alter splicing based on available splicing prediction programs (SpliceAI, Jaganathan et al. 2019. PubMed ID: 30661751). However, the use of computer prediction programs is not equivalent to functional evidence. To our knowledge, this variant has not been reported in the literature or in a large population database (gnomAD), indicating this variant is rare. At this time, the clinical significance of this variant is uncertain due to the absence of conclusive functional and genetic evidence.